The following is an entry in ClinVar:

NM_001283009.2(RTEL1):c.2366C>T (p.Ala789Val)

Genes: RTEL1 (regulator of telomere elongation helicase 1; plus strand), RTEL1-TNFRSF6B (RTEL1-TNFRSF6B readthrough (NMD candidate); plus strand). Cytogenetic location: 20q13.33.
Variant type: single nucleotide variant.
Coding change: c.2366C>T on transcript NM_001283009.2 (MANE Select); coding-DNA position 2366, C replaced by T.
Protein change: p.Ala789Val; replaces alanine 789 with valine.
Molecular consequence: missense variant. On other transcripts: non-coding transcript variant (1).
Genome position (GRCh38, 1-based): chr20:63,690,394, C>T. VCF-style: chr20-63690394-C-T. GRCh37 (hg19) VCF-style: chr20-62321747-C-T.
Other names: c.1697C>T, p.Ala566Val (NM_001283010.1); c.2366C>T, p.Ala789Val (NM_016434.4); c.2438C>T, p.Ala813Val (NM_032957.5); short protein forms A566V, A789V, A813V.
Identifiers: ClinVar variation 4157728 (VCV004157728.1).

ClinVar aggregate classification (germline): Uncertain significance (1 of 4 stars; one submission).

Conditions:
Inborn genetic diseases. Identifiers: MedGen C0950123, MeSH D030342.

Submission:

Ambry Genetics
Classification: Uncertain significance for Inborn genetic diseases. Last evaluated: 2025-09-07. Review status: criteria provided, single submitter. Criteria: Ambry Variant Classification Scheme 2023. Collection method: clinical testing. Allele origin: germline.
Comment: The p.A789V variant (also known as c.2366C>T), located in coding exon 25 of the RTEL1 gene, results from a C to T substitution at nucleotide position 2366. The alanine at codon 789 is replaced by valine, an amino acid with similar properties. This amino acid position is conserved. In addition, this alteration is predicted to be tolerated by in silico analysis. Based on the available evidence, the clinical significance of this variant remains unclear.